The following is an entry in ClinVar:

NM_002095.6(GTF2E2):c.400G>A (p.Asp134Asn)

Gene: GTF2E2 (general transcription factor IIE subunit 2; minus strand). Cytogenetic location: 8p12.
Variant type: single nucleotide variant.
Coding change: c.400G>A on transcript NM_002095.6 (MANE Select); coding-DNA position 400, G replaced by A.
Protein change: p.Asp134Asn; replaces aspartic acid 134 with asparagine.
Molecular consequence: missense variant.
Genome position (GRCh38, 1-based): chr8:30,612,448, C>T on the plus strand (G>A on the coding strand, the complement: GTF2E2 is on the minus strand). VCF-style: chr8-30612448-C-T. GRCh37 (hg19) VCF-style: chr8-30469965-C-T.
Other names: c.400G>A, p.Asp134Asn (NM_001348353.1); short protein forms D134N.
Identifiers: ClinVar variation 2167907 (VCV002167907.4), dbSNP rs2487816533, ClinGen allele CA370879702.

ClinVar aggregate classification (germline): Uncertain significance (1 of 4 stars; one submission).

Allele frequency attached by ClinVar (database versions not stated): gnomAD exomes below 0.00001.
gnomAD v4.1: 1 of 1,611,916 alleles (0.000062%); highest among the groups gnomAD compares: Admixed American, 0.0017%; no homozygotes.

Submission:

Labcorp Genetics (formerly Invitae), Labcorp
Classification: Uncertain significance. Last evaluated: 2023-11-28. Review status: criteria provided, single submitter. Criteria: Invitae Variant Classification Sherloc (09022015). Collection method: clinical testing. Allele origin: germline.
Comment: This sequence change replaces aspartic acid, which is acidic and polar, with asparagine, which is neutral and polar, at codon 134 of the GTF2E2 protein (p.Asp134Asn). This variant is not present in population databases (gnomAD no frequency). This variant has not been reported in the literature in individuals affected with GTF2E2-related conditions. ClinVar contains an entry for this variant (Variation ID: 2167907). Advanced modeling of protein sequence and biophysical properties (such as structural, functional, and spatial information, amino acid conservation, physicochemical variation, residue mobility, and thermodynamic stability) performed at Invitae indicates that this missense variant is not expected to disrupt GTF2E2 protein function with a negative predictive value of 80%. In summary, the available evidence is currently insufficient to determine the role of this variant in disease. Therefore, it has been classified as a Variant of Uncertain Significance.